The following is an entry in ClinVar:

NM_194277.3(FRMD7):c.25T>A (p.Leu9Met)

Gene: FRMD7 (FERM domain containing 7; minus strand). Cytogenetic location: Xq26.2.
Variant type: single nucleotide variant.
Coding change: c.25T>A on transcript NM_194277.3 (MANE Select); coding-DNA position 25, T replaced by A.
Protein change: p.Leu9Met; replaces leucine 9 with methionine.
Molecular consequence: missense variant.
Genome position (GRCh38, 1-based): chrX:132,127,820, A>T on the plus strand (T>A on the coding strand, the complement: FRMD7 is on the minus strand). VCF-style: chrX-132127820-A-T. GRCh37 (hg19) VCF-style: chrX-131261848-A-T.
Other names: c.25T>A, p.Leu9Met (NM_001306193.2); short protein forms L9M.
Identifiers: ClinVar variation 2906350 (VCV002906350.3), dbSNP rs775083603, ClinGen allele CA414677205.
Genomic context (GRCh38, chrX:132,127,820, plus strand): 5'-GAATAATAGCAATGTGATTTCCACTTACATCAACCACAAAAATCTTCTGGGAATCATCCA[A>T]AAACTGCACTTTTAAATGTAGCATTCTCAGCGAGGCCGTTGGGCTGCAAGCAGGCTCAGA-3'
Protein context (NP_919253.1, residues 1-19): MLHLKVQF[Leu9Met]DDSQKIFVVD

ClinVar aggregate classification (germline): Uncertain significance (1 of 4 stars; one submission).

gnomAD v4.1: 2 of 1,209,796 alleles (0.00017%); no homozygotes.

Submission:

Labcorp Genetics (formerly Invitae), Labcorp
Classification: Uncertain significance. Last evaluated: 2023-10-06. Review status: criteria provided, single submitter. Criteria: Invitae Variant Classification Sherloc (09022015). Collection method: clinical testing. Allele origin: germline.
Comment: This sequence change replaces leucine, which is neutral and non-polar, with methionine, which is neutral and non-polar, at codon 9 of the FRMD7 protein (p.Leu9Met). This variant is not present in population databases (gnomAD no frequency). This variant has not been reported in the literature in individuals affected with FRMD7-related conditions. An algorithm developed to predict the effect of missense changes on protein structure and function (PolyPhen-2) suggests that this variant is likely to be tolerated. In summary, the available evidence is currently insufficient to determine the role of this variant in disease. Therefore, it has been classified as a Variant of Uncertain Significance.